The following is an entry in ClinVar:

NM_001039469.3(MARK2):c.1730G>A (p.Ser577Asn)

Gene: MARK2 (microtubule affinity regulating kinase 2; plus strand). Cytogenetic location: 11q13.1.
Variant type: single nucleotide variant.
Coding change: c.1730G>A on transcript NM_001039469.3 (MANE Select); coding-DNA position 1730, G replaced by A.
Protein change: p.Ser577Asn; replaces serine 577 with asparagine.
Molecular consequence: missense variant.
Genome position (GRCh38, 1-based): chr11:63,904,839, G>A. VCF-style: chr11-63904839-G-A. GRCh37 (hg19) VCF-style: chr11-63672311-G-A.
Other names: c.1568G>A, p.Ser523Asn (NM_001163296.2); c.1565G>A, p.Ser522Asn (NM_001163297.2, NM_004954.5); c.1628G>A, p.Ser543Asn (NM_017490.4); short protein forms S522N, S523N, S543N, S577N.
Identifiers: ClinVar variation 4882679 (VCV004882679.2).
Genomic context (GRCh38, chr11:63,904,839, plus strand): 5'-CCCACAGCACAGCCCCCCAGCGTGTCCCTGTTGCCTCCCCATCCGCCCACAACATCAGCA[G>A]CAGTGGTGGAGCCCCAGACCGAACTAACTTCCCCCGGGGTGTGTCCAGCCGAAGCACCTT-3'
Protein context (NP_001034558.2, residues 567-587): VASPSAHNIS[Ser577Asn]SGGAPDRTNF

ClinVar aggregate classification (germline): Uncertain significance (1 of 4 stars; one submission).

Conditions:
Intellectual developmental disorder, autosomal dominant 76. Identifiers: MedGen C6012756, MONDO:0979575, OMIM 621285.

Submission:

Dasa
Classification: Uncertain significance for Intellectual developmental disorder, autosomal dominant 76. Last evaluated: 2026-02-27. Review status: criteria provided, single submitter. Criteria: DASA Assertion Criteria. Collection method: clinical testing. Allele origin: germline.
Comment: NM_001039469.3(MARK2):c.1730G>A (p.Ser577Asn) is a missense variant that results in the substitution of serine with asparagine. This variant is rare in population databases. Computational prediction algorithms are consistent with a benign effect. The currently available literature and clinical evidence are not sufficient to establish a definitive association between this variant and the reported condition. Therefore, this variant is classified as a variant of uncertain significance.